The following is an entry in ClinVar:

NM_001199267.2(DGKZ):c.639+3G>A

Gene: DGKZ (diacylglycerol kinase zeta; plus strand). Cytogenetic location: 11p11.2.
Variant type: single nucleotide variant.
Coding change: c.639+3G>A on transcript NM_001199267.2 (MANE Select); 3 bases into the intron after coding-DNA position 639, G replaced by A.
Molecular consequence: intron variant.
Genome position (GRCh38, 1-based): chr11:46,371,387, G>A. VCF-style: chr11-46371387-G-A. GRCh37 (hg19) VCF-style: chr11-46392937-G-A.
Other names: c.690+3G>A (NM_201532.3); c.654+3G>A (NM_201533.3); c.642+3G>A (NM_001199266.2, NM_003646.4); c.573+3G>A (NM_001199268.2); c.1206+3G>A (NM_001105540.2).
Identifiers: ClinVar variation 4697249 (VCV004697249.1).

ClinVar aggregate classification (germline): Uncertain significance (1 of 4 stars; one submission).

gnomAD v4.1: 8 of 1,613,582 alleles (0.0005%); highest among the groups gnomAD compares: Admixed American, 0.012%; no homozygotes.

Submission:

Labcorp Genetics (formerly Invitae), Labcorp
Classification: Uncertain significance. Last evaluated: 2025-05-07. Review status: criteria provided, single submitter. Criteria: Invitae Variant Classification Sherloc (09022015). Collection method: clinical testing. Allele origin: germline.
Comment: This sequence change falls in intron 8 of the DGKZ gene. It does not directly change the encoded amino acid sequence of the DGKZ protein. It affects a nucleotide within the consensus splice site. This variant is present in population databases (rs376067942, gnomAD 0.009%). This variant has not been reported in the literature in individuals affected with DGKZ-related conditions. Variants that disrupt the consensus splice site are a relatively common cause of aberrant splicing (PMID: 17576681, 9536098). Algorithms developed to predict the effect of sequence changes on RNA splicing suggest that this variant is not likely to affect RNA splicing. In summary, the available evidence is currently insufficient to determine the role of this variant in disease. Therefore, it has been classified as a Variant of Uncertain Significance.

Literature cited by the submitters: PubMed 17576681; PubMed 9536098.